The following is an entry in ClinVar:

NM_144997.7(FLCN):c.1433-38A>G

Gene: FLCN (folliculin; minus strand). Cytogenetic location: 17p11.2.
Variant type: single nucleotide variant.
Coding change: c.1433-38A>G on transcript NM_144997.7 (MANE Select); 38 bases into the intron before coding-DNA position 1433, A replaced by G.
Molecular consequence: intron variant.
Genome position (GRCh38, 1-based): chr17:17,215,128, T>C on the plus strand (A>G on the coding strand, the complement: FLCN is on the minus strand). VCF-style: chr17-17215128-T-C. GRCh37 (hg19) VCF-style: chr17-17118442-T-C.
Other names: c.1433-38A>G (LRG_325t1, NM_001353231.2, NM_001353230.2 and 1 more transcripts); c.1487-38A>G (NM_001353229.2).
Identifiers: ClinVar variation 253253 (VCV000253253.15), dbSNP rs34235236, ClinGen allele CA8415976.

ClinVar aggregate classification (germline): Benign. Review status: criteria provided, multiple submitters, no conflicts (2 of 4 stars). 5 submissions from 5 submitters: Benign (5). Last evaluated 2023-07-07.

Conditions:
Birt-Hogg-Dube syndrome. Also called: Birt Hogg Dubé syndrome. Identifiers: Orphanet 122, MedGen C0346010, MONDO:0800444.

Allele frequency attached by ClinVar (database versions not stated): 1000 Genomes Project 30x 0.15178; 1000 Genomes Project 0.15296; TOPMed 0.20526; gnomAD 0.21403 and 0.21634; ESP Exome Variant Server 0.22090; ExAC 0.23299; gnomAD exomes 0.23305 and 0.26639.
gnomAD v4.1: 420,931 of 1,613,376 alleles (26%); highest among the groups gnomAD compares: Non-Finnish European, 28%; 58,500 homozygotes.

Submissions (5):

KCCC/NGS Laboratory, Kuwait Cancer Control Center
Classification: Benign for Birt-Hogg-Dube syndrome 1. Last evaluated: 2023-07-07. Review status: criteria provided, single submitter. Criteria: ACMG Guidelines, 2015. Collection method: clinical testing. Allele origin: germline. Affected: yes.

ARUP Laboratories, Molecular Genetics and Genomics, ARUP Laboratories
Classification: Benign. Last evaluated: 2018-07-23. Review status: criteria provided, single submitter. Criteria: ARUP Molecular Germline Variant Investigation Process. Collection method: clinical testing. Allele origin: germline.

Genomic Diagnostic Laboratory, Division of Genomic Diagnostics, Children's Hospital of Philadelphia
Classification: Benign for Birt-Hogg-Dube Syndrome. Last evaluated: 2016-07-18. Review status: criteria provided, single submitter. Criteria: DGD Variant Analysis Guidelines. Collection method: clinical testing. Allele origin: germline. Affected: yes. Observed: 1 variant allele.
Comment: Clinical Testing

GeneDx
Classification: Benign. Last evaluated: 2015-03-03. Review status: criteria provided, single submitter. Criteria: GeneDx Variant Classification Process June 2021. Collection method: clinical testing. Allele origin: germline. Affected: yes.

Breakthrough Genomics
Classification: Benign. Review status: criteria provided, single submitter. Criteria: ACMG Guidelines, 2015. Collection method: not provided. Allele origin: germline. Inheritance: Autosomal dominant inheritance. Affected: yes.